The following is an entry in ClinVar:

NM_000553.6(WRN):c.3758G>A (p.Cys1253Tyr)

Gene: WRN (WRN RecQ like helicase; plus strand). Cytogenetic location: 8p12.
Variant type: single nucleotide variant.
Coding change: c.3758G>A on transcript NM_000553.6 (MANE Select); coding-DNA position 3758, G replaced by A.
Protein change: p.Cys1253Tyr; replaces cysteine 1253 with tyrosine.
Molecular consequence: missense variant.
Genome position (GRCh38, 1-based): chr8:31,154,694, G>A. VCF-style: chr8-31154694-G-A. GRCh37 (hg19) VCF-style: chr8-31012210-G-A.
Other names: c.3758G>A (NM_000553.4); short protein forms C1253Y.
Identifiers: ClinVar variation 1057720 (VCV001057720.3), dbSNP rs2130470272, ClinGen allele CA370929109.

ClinVar aggregate classification (germline): Uncertain significance. Review status: criteria provided, multiple submitters, no conflicts (2 of 4 stars). 2 submissions from 2 submitters: Uncertain significance (2). Last evaluated 2025-05-25.

Conditions:
Inborn genetic diseases. Identifiers: MedGen C0950123, MeSH D030342.
Werner syndrome (WRN). Identifiers: Orphanet 902, MedGen C0043119, MONDO:0010196, OMIM 277700.

Allele frequency attached by ClinVar (database versions not stated): gnomAD exomes below 0.00001.

Submissions (2):

Ambry Genetics
Classification: Uncertain significance for Inborn genetic diseases. Last evaluated: 2025-05-25. Review status: criteria provided, single submitter. Criteria: Ambry Variant Classification Scheme 2023. Collection method: clinical testing. Allele origin: germline.

Labcorp Genetics (formerly Invitae), Labcorp
Classification: Uncertain significance for Werner syndrome. Last evaluated: 2022-02-18. Review status: criteria provided, single submitter. Criteria: Invitae Variant Classification Sherloc (09022015). Collection method: clinical testing. Allele origin: germline.
Comment: This sequence change replaces cysteine, which is neutral and slightly polar, with tyrosine, which is neutral and polar, at codon 1253 of the WRN protein (p.Cys1253Tyr). This variant is not present in population databases (gnomAD no frequency). This variant has not been reported in the literature in individuals affected with WRN-related conditions. ClinVar contains an entry for this variant (Variation ID: 1057720). Algorithms developed to predict the effect of missense changes on protein structure and function are either unavailable or do not agree on the potential impact of this missense change (SIFT: "Not Available"; PolyPhen-2: "Benign"; Align-GVGD: "Not Available"). In summary, the available evidence is currently insufficient to determine the role of this variant in disease. Therefore, it has been classified as a Variant of Uncertain Significance.